The following is an entry in ClinVar:

NM_025077.4(TOE1):c.626dup (p.Ser210fs)

Gene: TOE1 (target of EGR1, exonuclease; plus strand). Cytogenetic location: 1p34.1.
Variant type: Duplication.
Coding change: c.626dup on transcript NM_025077.4 (MANE Select); coding-DNA position 626, one base duplicated (A; older notation c.626dupA).
Protein change: p.Ser210fs; shifts the reading frame from serine 210.
Molecular consequence: frameshift variant.
Genome position (GRCh38, 1-based): chr1:45,342,517, A duplicated. VCF-style (leftmost placement, unchanged base first): chr1-45342516-G-GA. GRCh37 (hg19) VCF-style: chr1-45808188-G-GA.
Other names: short protein forms S210fs.
Identifiers: ClinVar variation 3653619 (VCV003653619.2).

ClinVar aggregate classification (germline): Pathogenic (1 of 4 stars; one submission).

Submission:

Labcorp Genetics (formerly Invitae), Labcorp
Classification: Pathogenic. Last evaluated: 2024-05-23. Review status: criteria provided, single submitter. Criteria: Invitae Variant Classification Sherloc (09022015). Collection method: clinical testing. Allele origin: germline.
Comment: This sequence change creates a premature translational stop signal (p.Ser210Glufs*8) in the TOE1 gene. It is expected to result in an absent or disrupted protein product. Loss-of-function variants in TOE1 are known to be pathogenic (PMID: 28092684, 34716526). This variant is not present in population databases (gnomAD no frequency). This variant has not been reported in the literature in individuals affected with TOE1-related conditions. For these reasons, this variant has been classified as Pathogenic.

Literature cited by the submitters: PubMed 28092684; PubMed 34716526.